The following is an entry in ClinVar:

ClinVar aggregate classification (germline): Likely benign. Review status: criteria provided, multiple submitters, no conflicts (2 of 4 stars). 2 submissions from 2 submitters: Likely benign (2). Last evaluated 2025-10-13.

Conditions:
Progressive sclerosing poliodystrophy (MTDPS4A). Also called: ALPERS DIFFUSE DEGENERATION OF CEREBRAL GRAY MATTER WITH HEPATIC CIRRHOSIS; Alpers-Huttenlocher Syndrome; ALPERS PROGRESSIVE INFANTILE POLIODYSTROPHY; NEURONAL DEGENERATION OF CHILDHOOD WITH LIVER DISEASE, PROGRESSIVE; Alpers-Huttenlocher Syndrome (AHS); Mitochondrial DNA depletion syndrome 4A (Alpers type). Identifiers: Orphanet 726, MedGen C0205710, MONDO:0008758, OMIM 203700.

Allele frequency attached by ClinVar (database versions not stated): gnomAD exomes below 0.00001 and 0.00001; gnomAD 0.00001.
gnomAD v4.1: 9 of 1,613,748 alleles (0.00056%); highest among the groups gnomAD compares: South Asian, 0.0011%; no homozygotes.

Submissions (2):

Labcorp Genetics (formerly Invitae), Labcorp
Classification: Likely benign for Progressive sclerosing poliodystrophy. Last evaluated: 2025-10-13. Review status: criteria provided, single submitter. Criteria: Invitae Variant Classification Sherloc (09022015). Collection method: clinical testing. Allele origin: germline.

CeGaT Center for Human Genetics Tuebingen
Classification: Likely benign. Last evaluated: 2025-02-01. Review status: criteria provided, single submitter. Criteria: CeGaT Center For Human Genetics Tuebingen Variant Classification Criteria Version 2. Collection method: clinical testing. Allele origin: germline. Affected: yes. Observed: 1 variant allele.
Comment: POLG: BP4, BP7

NM_002693.3(POLG):c.1197C>T (p.Asp399=)

Gene: POLG (DNA polymerase gamma, catalytic subunit; minus strand). Cytogenetic location: 15q26.1.
Variant type: single nucleotide variant.
Coding change: c.1197C>T on transcript NM_002693.3 (MANE Select); coding-DNA position 1197, C replaced by T.
Protein change: p.Asp399=; no amino-acid change (aspartic acid 399 retained).
Molecular consequence: synonymous variant.
Genome position (GRCh38, 1-based): chr15:89,328,509, G>A on the plus strand (C>T on the coding strand, the complement: POLG is on the minus strand). VCF-style: chr15-89328509-G-A. GRCh37 (hg19) VCF-style: chr15-89871740-G-A.
Other names: c.1197C>T, p.Asp399= (NM_001126131.2).
Identifiers: ClinVar variation 1645484 (VCV001645484.15), dbSNP rs1406931016, ClinGen allele CA492289646.